The following is an entry in ClinVar:

NM_020937.4(FANCM):c.2091T>G (p.Ser697Arg)

Gene: FANCM (FA complementation group M; plus strand). Cytogenetic location: 14q21.2.
Variant type: single nucleotide variant.
Coding change: c.2091T>G on transcript NM_020937.4 (MANE Select); coding-DNA position 2091, T replaced by G.
Protein change: p.Ser697Arg; replaces serine 697 with arginine.
Molecular consequence: missense variant.
Genome position (GRCh38, 1-based): chr14:45,170,677, T>G. VCF-style: chr14-45170677-T-G. GRCh37 (hg19) VCF-style: chr14-45639880-T-G.
Other names: c.2013T>G, p.Ser671Arg (NM_001308133.2); short protein forms S671R, S697R.
Identifiers: ClinVar variation 3848573 (VCV003848573.1).

ClinVar aggregate classification (germline): Uncertain significance (1 of 4 stars; one submission).

Conditions:
Inborn genetic diseases. Identifiers: MedGen C0950123, MeSH D030342.

Submission:

Ambry Genetics
Classification: Uncertain significance for Inborn genetic diseases. Last evaluated: 2025-01-03. Review status: criteria provided, single submitter. Criteria: Ambry Variant Classification Scheme 2023. Collection method: clinical testing. Allele origin: germline.
Comment: The p.S697R variant (also known as c.2091T>G), located in coding exon 12 of the FANCM gene, results from a T to G substitution at nucleotide position 2091. The serine at codon 697 is replaced by arginine, an amino acid with dissimilar properties. This amino acid position is conserved. In addition, this alteration is predicted to be tolerated by in silico analysis. Based on the available evidence, the clinical significance of this variant remains unclear.